The following is an entry in ClinVar:

NM_198253.3(TERT):c.743G>A (p.Arg248Gln)

Gene: TERT (telomerase reverse transcriptase; minus strand). Cytogenetic location: 5p15.33.
Variant type: single nucleotide variant.
Coding change: c.743G>A on transcript NM_198253.3 (MANE Select); coding-DNA position 743, G replaced by A.
Protein change: p.Arg248Gln; replaces arginine 248 with glutamine.
Molecular consequence: missense variant. On other transcripts: non-coding transcript variant (2).
Genome position (GRCh38, 1-based): chr5:1,294,143, C>T on the plus strand (G>A on the coding strand, the complement: TERT is on the minus strand). VCF-style: chr5-1294143-C-T. GRCh37 (hg19) VCF-style: chr5-1294258-C-T.
Other names: c.743G>A, p.Arg248Gln (NM_001193376.3); short protein forms R248Q.
Identifiers: ClinVar variation 1010861 (VCV001010861.4), dbSNP rs1751210062, ClinGen allele CA359056913.
Genomic context (GRCh38, chr5:1,294,143, plus strand): 5'-CGGTCACTCGGTCCACGCGTCCTGCCCGGGTGGGCCCAGGACCCCTGCCCAACGGGCGTC[C>T]GCTCCGGCTCAGGGGCAGCGCCACGCCTGGGCCTCTTGGGCAACGGCAGACTTCGGCTGG-3'
Protein context (NP_937983.2, residues 238-258): PRRGAAPEPE[Arg248Gln]TPVGQGSWAH

ClinVar aggregate classification (germline): Uncertain significance (1 of 4 stars; one submission).

Conditions:
Idiopathic Pulmonary Fibrosis. Also called: Idiopathic fibrosing alveolitis, chronic form; idiopathic fibrosing alveolitis. Identifiers: Orphanet 2032, MedGen C1800706, MeSH D054990, MONDO:0800504.
Dyskeratosis congenita, autosomal dominant 2. Identifiers: MedGen C3151443, MONDO:0013521, OMIM 613989.

gnomAD v4.1: 1 of 1,580,784 alleles (0.000063%); highest among the groups gnomAD compares: Non-Finnish European, 0.000086%; no homozygotes.

Submission:

Labcorp Genetics (formerly Invitae), Labcorp
Classification: Uncertain significance for Dyskeratosis congenita, autosomal dominant 2; Idiopathic Pulmonary Fibrosis. Last evaluated: 2022-10-26. Review status: criteria provided, single submitter. Criteria: Invitae Variant Classification Sherloc (09022015). Collection method: clinical testing. Allele origin: germline.
Comment: This sequence change replaces arginine, which is basic and polar, with glutamine, which is neutral and polar, at codon 248 of the TERT protein (p.Arg248Gln). This variant is not present in population databases (gnomAD no frequency). This variant has not been reported in the literature in individuals affected with TERT-related conditions. ClinVar contains an entry for this variant (Variation ID: 1010861). Advanced modeling of protein sequence and biophysical properties (such as structural, functional, and spatial information, amino acid conservation, physicochemical variation, residue mobility, and thermodynamic stability) performed at Invitae indicates that this missense variant is not expected to disrupt TERT protein function. In summary, the available evidence is currently insufficient to determine the role of this variant in disease. Therefore, it has been classified as a Variant of Uncertain Significance.